The following is an entry in ClinVar:

NM_020297.4(ABCC9):c.4512+745T>G

Genes: ABCC9 (ATP binding cassette subfamily C member 9; minus strand), KCNJ8-AS1 (KCNJ8 antisense RNA 1; plus strand). Cytogenetic location: 12p12.1.
Variant type: single nucleotide variant.
Coding change: c.4512+745T>G on transcript NM_020297.4 (MANE Select); 745 bases into the intron after coding-DNA position 4512, T replaced by G.
Molecular consequence: intron variant. On other transcripts: nonsense (1).
Genome position (GRCh38, 1-based): chr12:21,805,253, A>C on the plus strand (T>G on the coding strand, the complement: ABCC9 is on the minus strand). VCF-style: chr12-21805253-A-C. GRCh37 (hg19) VCF-style: chr12-21958187-A-C.
Other names: c.4571T>G, p.Leu1524Ter (NM_005691.4); c.3645+745T>G (NM_001377274.1); c.4512+745T>G (NM_001377273.1); short protein forms L1524*.
Identifiers: ClinVar variation 2642777 (VCV002642777.24), dbSNP rs150631550, ClinGen allele CA384129246.

ClinVar aggregate classification (germline): Uncertain significance (1 of 4 stars; one submission).

Submission:

CeGaT Center for Human Genetics Tuebingen
Classification: Uncertain significance. Last evaluated: 2023-10-01. Review status: criteria provided, single submitter. Criteria: CeGaT Center For Human Genetics Tuebingen Variant Classification Criteria Version 2. Collection method: clinical testing. Allele origin: germline. Affected: yes. Observed: 1 variant allele.
Comment: ABCC9: PM2, PVS1:Supporting